The following is an entry in ClinVar:

NM_001358530.2(MOCS1):c.142C>T (p.Gln48Ter)

Gene: MOCS1 (molybdenum cofactor synthesis 1; minus strand). Cytogenetic location: 6p21.2.
Variant type: single nucleotide variant.
Coding change: c.142C>T on transcript NM_001358530.2 (MANE Select); coding-DNA position 142, C replaced by T.
Protein change: p.Gln48Ter; replaces glutamine 48 with a stop codon.
Molecular consequence: nonsense. On other transcripts: 5 prime UTR variant (1), intron variant (2).
Genome position (GRCh38, 1-based): chr6:39,927,437, G>A on the plus strand (C>T on the coding strand, the complement: MOCS1 is on the minus strand). VCF-style: chr6-39927437-G-A. GRCh37 (hg19) VCF-style: chr6-39895176-G-A.
Other names: c.142C>T, p.Gln48Ter (NM_001075098.4, NM_001358529.2, NM_005943.6); c.-120C>T (NM_001358534.2); c.-11-1592C>T (NM_001358531.2, NM_001358533.2); short protein forms Q48*.
Identifiers: ClinVar variation 2852183 (VCV002852183.4), dbSNP rs2482418384, ClinGen allele CA364045172.
Genomic context (GRCh38, chr6:39,927,437, plus strand): 5'-GCCGGCCGAAGCTGTCTGTGAGGAAGGCGGAGAAGGGGGCCGCATGCTCCCGCAGGAACT[G>A]CCTCCGCCTGGACACCTCCTGCGAGGACAGACCAGGGAGGAAGCATGGGCCCCTGCTACC-3'

ClinVar aggregate classification (germline): Pathogenic (1 of 4 stars; one submission).

Conditions:
Sulfite oxidase deficiency due to molybdenum cofactor deficiency type A. Also called: Molybdenum cofactor deficiency, complementation group A; Molybdenum Cofactor Deficiency A. Identifiers: Orphanet 308386, Orphanet 833, MedGen C1854988, MONDO:0009643, OMIM 252150.

Submission:

Labcorp Genetics (formerly Invitae), Labcorp
Classification: Pathogenic for Sulfite oxidase deficiency due to molybdenum cofactor deficiency type A. Last evaluated: 2023-04-17. Review status: criteria provided, single submitter. Criteria: Invitae Variant Classification Sherloc (09022015). Collection method: clinical testing. Allele origin: germline.
Comment: This sequence change creates a premature translational stop signal (p.Gln48*) in the MOCS1 gene. It is expected to result in an absent or disrupted protein product. Loss-of-function variants in MOCS1 are known to be pathogenic (PMID: 12754701, 16021469). This variant is not present in population databases (gnomAD no frequency). This variant has not been reported in the literature in individuals affected with MOCS1-related conditions. For these reasons, this variant has been classified as Pathogenic.

Literature cited by the submitters: PubMed 12754701; PubMed 16021469.